The following is an entry in ClinVar:

ClinVar aggregate classification (germline): Likely pathogenic (1 of 4 stars; one submission).

Submission:

Labcorp Genetics (formerly Invitae), Labcorp
Classification: Likely pathogenic. Last evaluated: 2023-10-22. Review status: criteria provided, single submitter. Criteria: Invitae Variant Classification Sherloc (09022015). Collection method: clinical testing. Allele origin: unknown.
Comment: This variant results in a copy number gain of the genomic region encompassing exon(s) 2-29 of the DOCK8 gene. While the exact position of this variant cannot be determined from the data, sub-genic copy number gains are generally in tandem (PMID: 25640679). This variant is predicted to be out-of-frame, and may result in an absent or disrupted protein product. Loss-of-function variants in DOCK8 are known to be pathogenic (PMID: 14722525, 19776401). This variant has not been reported in the literature in individuals affected with DOCK8-related conditions. In summary, the currently available evidence indicates that the variant is pathogenic, but additional data are needed to prove that conclusively. Therefore, this variant has been classified as Likely Pathogenic.

Literature cited by the submitters: PubMed 25640679; PubMed 14722525; PubMed 19776401.

NC_000009.11:g.(?_271607)_(414971_?)dup

Gene: DOCK8 (dedicator of cytokinesis 8; plus strand). Cytogenetic location: 9p24.3.
Variant type: Duplication.
Identifiers: ClinVar variation 3245219 (VCV003245219.1).